The following is an entry in ClinVar:

ClinVar aggregate classification (germline): Uncertain significance. Review status: criteria provided, multiple submitters, no conflicts (2 of 4 stars). 2 submissions from 2 submitters: Uncertain significance (2). Last evaluated 2025-05-02.

Conditions:
Ataxia-telangiectasia syndrome (AT). Also called: LOUIS-BAR SYNDROME; Cerebello-oculocutaneous telangiectasia; Immunodeficiency with ataxia telangiectasia; Ataxia telangiectasia (A-T); Ataxia-telangiectasia, complementation group D; AT, COMPLEMENTATION GROUP C. Identifiers: Orphanet 100, MedGen C0004135, MONDO:0008840, OMIM 208900.
Hereditary cancer-predisposing syndrome. Also called: Tumor predisposition; Neoplastic Syndromes, Hereditary; Hereditary Cancer Syndrome; Hereditary neoplastic syndrome. Identifiers: Orphanet 140162, MedGen C0027672, MeSH D009386, MONDO:0015356.

Allele frequency attached by ClinVar (database versions not stated): gnomAD exomes below 0.00001.
gnomAD v4.1: 1 of 1,614,096 alleles (0.000062%); highest among the groups gnomAD compares: Non-Finnish European, 0.000085%; no homozygotes.

Submissions (2):

Ambry Genetics
Classification: Uncertain significance for Hereditary cancer-predisposing syndrome. Last evaluated: 2025-05-02. Review status: criteria provided, single submitter. Criteria: Ambry Variant Classification Scheme 2023. Collection method: clinical testing. Allele origin: germline.
Comment: The p.T2905I variant (also known as c.8714C>T), located in coding exon 59 of the ATM gene, results from a C to T substitution at nucleotide position 8714. The threonine at codon 2905 is replaced by isoleucine, an amino acid with similar properties. This amino acid position is conserved. In addition, this alteration is predicted to be deleterious by in silico analysis. Based on the available evidence, the clinical significance of this variant remains unclear.

Labcorp Genetics (formerly Invitae), Labcorp
Classification: Uncertain significance for Ataxia-telangiectasia syndrome. Last evaluated: 2022-11-02. Review status: criteria provided, single submitter. Criteria: Invitae Variant Classification Sherloc (09022015). Collection method: clinical testing. Allele origin: germline.
Comment: In summary, the available evidence is currently insufficient to determine the role of this variant in disease. Therefore, it has been classified as a Variant of Uncertain Significance. Algorithms developed to predict the effect of missense changes on protein structure and function (SIFT, PolyPhen-2, Align-GVGD) all suggest that this variant is likely to be disruptive. This variant has not been reported in the literature in individuals affected with ATM-related conditions. This variant is not present in population databases (gnomAD no frequency). This sequence change replaces threonine, which is neutral and polar, with isoleucine, which is neutral and non-polar, at codon 2905 of the ATM protein (p.Thr2905Ile).

NM_000051.4(ATM):c.8714C>T (p.Thr2905Ile)

Genes: ATM (ATM serine/threonine kinase; plus strand), C11orf65 (chromosome 11 open reading frame 65; minus strand). Cytogenetic location: 11q22.3.
Variant type: single nucleotide variant.
Coding change: c.8714C>T on transcript NM_000051.4 (MANE Select); coding-DNA position 8714, C replaced by T.
Protein change: p.Thr2905Ile; replaces threonine 2905 with isoleucine.
Molecular consequence: missense variant. On other transcripts: intron variant (2).
Genome position (GRCh38, 1-based): chr11:108,353,808, C>T. VCF-style: chr11-108353808-C-T. GRCh37 (hg19) VCF-style: chr11-108224535-C-T.
Other names: c.8714C>T, p.Thr2905Ile (NM_001351834.2); c.640+32112G>A (NM_001330368.2); c.695-18516G>A (NM_001351110.2); short protein forms T2905I.
Identifiers: ClinVar variation 2811199 (VCV002811199.4), dbSNP rs2137289494, ClinGen allele CA382523812.